The following is an entry in ClinVar:

ClinVar aggregate classification (germline): Uncertain significance (1 of 4 stars; one submission).

Conditions:
Hereditary cancer-predisposing syndrome. Also called: Hereditary Cancer Syndrome; Tumor predisposition; Hereditary neoplastic syndrome; Neoplastic Syndromes, Hereditary. Identifiers: Orphanet 140162, MedGen C0027672, MeSH D009386, MONDO:0015356.

Submission:

Ambry Genetics
Classification: Uncertain significance for Hereditary cancer-predisposing syndrome. Last evaluated: 2024-07-05. Review status: criteria provided, single submitter. Criteria: Ambry Variant Classification Scheme 2023. Collection method: clinical testing. Allele origin: germline.
Comment: The p.K1126N variant (also known as c.3378A>T), located in coding exon 5 of the MSH6 gene, results from an A to T substitution at nucleotide position 3378. The lysine at codon 1126 is replaced by asparagine, an amino acid with similar properties. This amino acid position is conserved. In addition, this alteration is predicted to be tolerated by in silico analysis. Based on the available evidence, the clinical significance of this variant remains unclear.

NM_000179.3(MSH6):c.3378A>T (p.Lys1126Asn)

Gene: MSH6 (mutS homolog 6; plus strand). Cytogenetic location: 2p16.3.
Variant type: single nucleotide variant.
Coding change: c.3378A>T on transcript NM_000179.3 (MANE Select); coding-DNA position 3378, A replaced by T.
Protein change: p.Lys1126Asn; replaces lysine 1126 with asparagine.
Molecular consequence: missense variant. On other transcripts: non-coding transcript variant (5).
Genome position (GRCh38, 1-based): chr2:47,803,625, A>T. VCF-style: chr2-47803625-A-T. GRCh37 (hg19) VCF-style: chr2-48030764-A-T.
Other names: c.2988A>T, p.Lys996Asn (NM_001281492.2); c.2472A>T, p.Lys824Asn (NM_001281493.2, NM_001281494.2, NM_001406811.1 and 6 more transcripts); c.3474A>T, p.Lys1158Asn (NM_001406795.1, NM_001406802.1); c.3378A>T, p.Lys1126Asn (NM_001406796.1, NM_001406800.1, NM_001406808.1 and 1 more transcripts); c.3081A>T, p.Lys1027Asn (NM_001406797.1, NM_001406801.1, NM_001406805.1 and 10 more transcripts); c.3204A>T, p.Lys1068Asn (NM_001406798.1); c.2853A>T, p.Lys951Asn (NM_001406799.1, NM_001406806.1, NM_001406807.1); c.2514A>T, p.Lys838Asn (NM_001406803.1); and 7 more; short protein forms K1068N, K1070N, K604N, K996N, K1100N, K1126N, K1158N, K75N.
Identifiers: ClinVar variation 3398874 (VCV003398874.1).